The following is an entry in ClinVar:

ClinVar aggregate classification (germline): Conflicting classifications of pathogenicity. Review status: criteria provided, conflicting classifications (1 of 4 stars). 3 submissions from 3 submitters: Uncertain significance (2); Likely benign (1). Last evaluated 2025-08-20.

Conditions:
Hereditary cancer-predisposing syndrome. Also called: Tumor predisposition; Neoplastic Syndromes, Hereditary; Hereditary neoplastic syndrome; Hereditary Cancer Syndrome. Identifiers: Orphanet 140162, MedGen C0027672, MeSH D009386, MONDO:0015356.
Familial cancer of breast. Also called: Hereditary breast cancer; hereditary breast carcinoma; BREAST CANCER, FAMILIAL. Identifiers: Orphanet 227535, MedGen C0346153, MONDO:0016419, OMIM 114480. Disease mechanism: loss of function.

Allele frequency attached by ClinVar (database versions not stated): gnomAD exomes below 0.00001.
gnomAD v4.1: 4 of 1,613,560 alleles (0.00025%); highest among the groups gnomAD compares: Non-Finnish European, 0.00034%; no homozygotes.

Submissions (3):

Labcorp Genetics (formerly Invitae), Labcorp
Classification: Uncertain significance for Familial cancer of breast. Last evaluated: 2025-08-20. Review status: criteria provided, single submitter. Criteria: Invitae Variant Classification Sherloc (09022015). Collection method: clinical testing. Allele origin: germline.
Comment: This sequence change replaces glutamic acid, which is acidic and polar, with alanine, which is neutral and non-polar, at codon 138 of the PALB2 protein (p.Glu138Ala). This variant is present in population databases (no rsID available, gnomAD 0.0009%). This variant has not been reported in the literature in individuals affected with PALB2-related conditions. ClinVar contains an entry for this variant (Variation ID: 496468). An algorithm developed to predict the effect of missense changes on protein structure and function (PolyPhen-2) suggests that this variant is likely to be disruptive. In summary, the available evidence is currently insufficient to determine the role of this variant in disease. Therefore, it has been classified as a Variant of Uncertain Significance.

Ambry Genetics
Classification: Likely benign for Hereditary cancer-predisposing syndrome. Last evaluated: 2025-07-24. Review status: criteria provided, single submitter. Criteria: Ambry Variant Classification Scheme 2023. Collection method: clinical testing. Allele origin: germline.

Women's Health and Genetics/Laboratory Corporation of America, LabCorp
Classification: Uncertain significance. Last evaluated: 2016-12-12. Review status: criteria provided, single submitter. Criteria: LabCorp Variant Classification Summary - May 2015. Collection method: clinical testing. Allele origin: germline.
Comment: Variant summary: The PALB2 c.413A>C (p.Glu138Ala) variant involves the alteration of a conserved nucleotide. 3/5 in silico tools predict a damaging outcome for this variant. This variant is absent in 121382 control chromosomes. The variant of interest has not, to our knowledge, been reported in affected individuals via publications and/or reputable databases/clinical diagnostic laboratories; nor evaluated for functional impact by in vivo/vitro studies. Because of the absence of clinical information and the lack of functional studies, the variant is classified as a variant of uncertain significance (VUS) until additional information becomes available.

NM_024675.4(PALB2):c.413A>C (p.Glu138Ala)

Gene: PALB2 (partner and localizer of BRCA2; minus strand). Cytogenetic location: 16p12.2.
Variant type: single nucleotide variant.
Coding change: c.413A>C on transcript NM_024675.4 (MANE Select); coding-DNA position 413, A replaced by C.
Protein change: p.Glu138Ala; replaces glutamic acid 138 with alanine.
Molecular consequence: missense variant.
Genome position (GRCh38, 1-based): chr16:23,636,133, T>G on the plus strand (A>C on the coding strand, the complement: PALB2 is on the minus strand). VCF-style: chr16-23636133-T-G. GRCh37 (hg19) VCF-style: chr16-23647454-T-G.
Other names: short protein forms E138A.
Identifiers: ClinVar variation 496468 (VCV000496468.12), dbSNP rs1322095182, ClinGen allele CA395137358.